The following is an entry in ClinVar:

NM_005898.5(CAPRIN1):c.1618_1631dup (p.Tyr545fs)

Gene: CAPRIN1 (cell cycle associated protein 1; plus strand). Cytogenetic location: 11p13.
Variant type: Duplication.
Coding change: c.1618_1631dup on transcript NM_005898.5 (MANE Select); coding-DNA positions 1618 to 1631, 14 bases duplicated (CAGTACCAGGCCAG).
Protein change: p.Tyr545fs; shifts the reading frame from tyrosine 545.
Molecular consequence: frameshift variant.
Genome position (GRCh38, 1-based): chr11:34,091,969-34,091,982, CAGTACCAGGCCAG duplicated. VCF-style (leftmost placement, unchanged base first): chr11-34091968-T-TCAGTACCAGGCCAG. GRCh37 (hg19) VCF-style: chr11-34113515-T-TCAGTACCAGGCCAG.
Other names: c.1618_1631dup, p.Tyr545fs (NM_203364.3); short protein forms Y545fs.
Identifiers: ClinVar variation 4888429 (VCV004888429.1).

ClinVar aggregate classification (germline): Likely pathogenic (1 of 4 stars; one submission).

Conditions:
Neurodevelopmental disorder with language impairment, autism, and attention deficit-hyperactivity disorder. Identifiers: MedGen C5935603, MONDO:0968945, OMIM 620782.

Submission:

MVZ Praenatalmedizin und Genetik Nuernberg
Classification: Likely pathogenic for Neurodevelopmental disorder with language impairment, autism, and attention deficit-hyperactivity disorder. Last evaluated: 2026-05-05. Review status: criteria provided, single submitter. Criteria: ACMG Guidelines, 2015. Collection method: clinical testing. Allele origin: paternal. Affected: no.
Comment: This very rare mutation (gnomAD v4: 0 alleles) causes a frameshift in exon 15 of 19, as well as a premature stop codon, resulting in a loss of function. Loss-of-function genetic variants in CAPRIN1 are autosomal dominant and may be associated with a neurodevelopmental disorder characterized by speech impairment, autism, and attention-deficit/hyperactivity disorder (OMIM 620782). Based on current data, we assess this to be a likely pathogenic genetic variant. The literature repeatedly reports healthy individuals with loss-of-function variants in CAPRIN1. Thus, it is suspected that CAPRIN1 haploinsufficiency is associated with incomplete penetrance and/or variable expressivity (ClinGen Curation CCID:009187, PMID 35979925). Therefore, the manifestation of a CAPRIN1-associated disorder is not necessarily to be expected.

Literature cited by the submitters: PubMed 35979925.